The following is an entry in ClinVar:

NM_000540.3(RYR1):c.4286C>G (p.Thr1429Ser)

Gene: RYR1 (ryanodine receptor 1; plus strand). Cytogenetic location: 19q13.2.
Variant type: single nucleotide variant.
Coding change: c.4286C>G on transcript NM_000540.3 (MANE Select); coding-DNA position 4286, C replaced by G.
Protein change: p.Thr1429Ser; replaces threonine 1429 with serine.
Molecular consequence: missense variant.
Genome position (GRCh38, 1-based): chr19:38,475,443, C>G. VCF-style: chr19-38475443-C-G. GRCh37 (hg19) VCF-style: chr19-38966083-C-G.
Other names: c.4286C>G, p.Thr1429Ser (NM_001042723.2); short protein forms T1429S.
Identifiers: ClinVar variation 4685346 (VCV004685346.2).
Genomic context (GRCh38, chr19:38,475,443, plus strand): 5'-GACTCCCTCACGACGTGGTGCCTGCAGACAACCGCGATGACCCCGAGATCATCCTCAACA[C>G]CACCACGGTGTGGACCAGTAACCCTCAATTTTGGGGTCCCCCCGCATAGCATAGGCACTC-3'
Protein context (NP_000531.2, residues 1419-1439): NRDDPEIILN[Thr1429Ser]TTYYYSVRVF

ClinVar aggregate classification (germline): Uncertain significance. Review status: criteria provided, multiple submitters, no conflicts (2 of 4 stars). 2 submissions from 2 submitters: Uncertain significance (2). Last evaluated 2025-07-09.

Conditions:
Malignant hyperthermia, susceptibility to, 1 (MHS1). Also called: Malignant hyperthermia suceptibility 1; Anesthesia related hyperthermia; Malignant hyperpyrexia; Fulminating hyperpyrexia; Pharmacogenic myopathy; RYR1-Related Malignant Hyperthermia Susceptibility. Identifiers: Orphanet 423, MedGen C2930980, MONDO:0007783, OMIM 145600.

Submissions (2):

GeneDx
Classification: Uncertain significance. Last evaluated: 2025-07-09. Review status: criteria provided, single submitter. Criteria: GeneDx Variant Classification Process June 2021. Collection method: clinical testing. Allele origin: germline. Affected: yes.
Comment: Not observed at significant frequency in large population cohorts (gnomAD); In silico analysis supports that this missense variant has a deleterious effect on protein structure/function; Has not been previously published as pathogenic or benign to our knowledge

Color Diagnostics, LLC DBA Color Health
Classification: Uncertain significance for Malignant hyperthermia, susceptibility to, 1. Last evaluated: 2025-06-03. Review status: criteria provided, single submitter. Criteria: ACMG Guidelines, 2015. Collection method: clinical testing. Allele origin: germline.
Comment: This missense variant replaces threonine with serine at codon 1429 of the RYR1 protein. Computational prediction is inconclusive regarding the impact of this variant on protein structure and function. To our knowledge, functional studies have not been reported for this variant. This variant has not been reported in individuals affected with RYR1-related disorders in the literature. This variant has not been identified in the general population by the Genome Aggregation Database (gnomAD). The available evidence is insufficient to determine the role of this variant in disease conclusively. Therefore, this variant is classified as a Variant of Uncertain Significance.